The following is an entry in ClinVar:

ClinVar aggregate classification (germline): Uncertain significance (1 of 4 stars; one submission).

Allele frequency attached by ClinVar (database versions not stated): gnomAD 0.00001; TOPMed 0.00001; ESP Exome Variant Server 0.00008.
gnomAD v4.1: 25 of 1,604,416 alleles (0.0016%); highest among the groups gnomAD compares: Non-Finnish European, 0.002%; no homozygotes.

Submission:

Labcorp Genetics (formerly Invitae), Labcorp
Classification: Uncertain significance. Last evaluated: 2025-10-13. Review status: criteria provided, single submitter. Criteria: Invitae Variant Classification Sherloc (09022015). Collection method: clinical testing. Allele origin: germline.
Comment: This sequence change replaces alanine, which is neutral and non-polar, with threonine, which is neutral and polar, at codon 351 of the FGFRL1 protein (p.Ala351Thr). This variant is present in population databases (rs374309032, gnomAD 0.005%). This variant has not been reported in the literature in individuals affected with FGFRL1-related conditions. ClinVar contains an entry for this variant (Variation ID: 2916684). An algorithm developed to predict the effect of missense changes on protein structure and function (PolyPhen-2) suggests that this variant is likely to be disruptive. In summary, the available evidence is currently insufficient to determine the role of this variant in disease. Therefore, it has been classified as a Variant of Uncertain Significance.

NM_001004356.3(FGFRL1):c.1051G>A (p.Ala351Thr)

Gene: FGFRL1 (fibroblast growth factor receptor like 1; plus strand). Cytogenetic location: 4p16.3.
Variant type: single nucleotide variant.
Coding change: c.1051G>A on transcript NM_001004356.3 (MANE Select); coding-DNA position 1051, G replaced by A.
Protein change: p.Ala351Thr; replaces alanine 351 with threonine.
Molecular consequence: missense variant.
Genome position (GRCh38, 1-based): chr4:1,024,643, G>A. VCF-style: chr4-1024643-G-A. GRCh37 (hg19) VCF-style: chr4-1018431-G-A.
Other names: c.1051G>A, p.Ala351Thr (NM_001004358.1, NM_001370296.1, NM_021923.3); short protein forms A351T.
Identifiers: ClinVar variation 2916684 (VCV002916684.3), dbSNP rs374309032, ClinGen allele CA2802951.